The following is an entry in ClinVar:

ClinVar aggregate classification (germline): Likely benign (0 of 4 stars; one submission).

Conditions:
TMEM132E-related disorder. Also called: TMEM132E-related condition.

gnomAD v4.1: 19 of 1,614,078 alleles (0.0012%); highest among the groups gnomAD compares: African/African-American, 0.019%; no homozygotes.

Submission:

PreventionGenetics, part of Exact Sciences
Classification: Likely benign for TMEM132E-related condition. Last evaluated: 2024-09-06. Review status: no assertion criteria provided. Collection method: clinical testing. Allele origin: germline.
Comment: This variant is classified as likely benign based on ACMG/AMP sequence variant interpretation guidelines (Richards et al. 2015 PMID: 25741868, with internal and published modifications).

NM_001304438.2(TMEM132E):c.1929G>A (p.Val643=)

Gene: TMEM132E (transmembrane protein 132E; plus strand). Cytogenetic location: 17q12.
Variant type: single nucleotide variant.
Coding change: c.1929G>A on transcript NM_001304438.2 (MANE Select); coding-DNA position 1929, G replaced by A.
Protein change: p.Val643=; no amino-acid change (valine 643 retained).
Molecular consequence: synonymous variant.
Genome position (GRCh38, 1-based): chr17:34,635,039, G>A. VCF-style: chr17-34635039-G-A. GRCh37 (hg19) VCF-style: chr17-32962058-G-A.
Identifiers: ClinVar variation 3355740 (VCV003355740.1).